The following is an entry in ClinVar:

NM_002234.4(KCNA5):c.420G>T (p.Gln140His)

Gene: KCNA5 (potassium voltage-gated channel subfamily A member 5; plus strand). Cytogenetic location: 12p13.32.
Variant type: single nucleotide variant.
Coding change: c.420G>T on transcript NM_002234.4 (MANE Select); coding-DNA position 420, G replaced by T.
Protein change: p.Gln140His; replaces glutamine 140 with histidine.
Molecular consequence: missense variant.
Genome position (GRCh38, 1-based): chr12:5,044,567, G>T. VCF-style: chr12-5044567-G-T. GRCh37 (hg19) VCF-style: chr12-5153733-G-T.
Other names: short protein forms Q140H.
Identifiers: ClinVar variation 1986569 (VCV001986569.4), dbSNP rs747349916, ClinGen allele CA383464394.

ClinVar aggregate classification (germline): Uncertain significance (1 of 4 stars; one submission).

Conditions:
Atrial fibrillation, familial, 7 (ATFB7). Identifiers: MedGen C2677106, MONDO:0012828, OMIM 612240.

Submission:

Labcorp Genetics (formerly Invitae), Labcorp
Classification: Uncertain significance for Atrial fibrillation, familial, 7. Last evaluated: 2022-05-11. Review status: criteria provided, single submitter. Criteria: Invitae Variant Classification Sherloc (09022015). Collection method: clinical testing. Allele origin: germline.
Comment: This sequence change replaces glutamine, which is neutral and polar, with histidine, which is basic and polar, at codon 140 of the KCNA5 protein (p.Gln140His). This variant is not present in population databases (gnomAD no frequency). This variant has not been reported in the literature in individuals affected with KCNA5-related conditions. Algorithms developed to predict the effect of missense changes on protein structure and function are either unavailable or do not agree on the potential impact of this missense change (SIFT: "Deleterious"; PolyPhen-2: "Probably Damaging"; Align-GVGD: "Class C0"). In summary, the available evidence is currently insufficient to determine the role of this variant in disease. Therefore, it has been classified as a Variant of Uncertain Significance.